The following is an entry in ClinVar:

NM_006180.6(NTRK2):c.808A>G (p.Asn270Asp)

Gene: NTRK2 (neurotrophic receptor tyrosine kinase 2; plus strand). Cytogenetic location: 9q21.33.
Variant type: single nucleotide variant.
Coding change: c.808A>G on transcript NM_006180.6 (MANE Select); coding-DNA position 808, A replaced by G.
Protein change: p.Asn270Asp; replaces asparagine 270 with aspartic acid.
Molecular consequence: missense variant.
Genome position (GRCh38, 1-based): chr9:84,724,311, A>G. VCF-style: chr9-84724311-A-G. GRCh37 (hg19) VCF-style: chr9-87339226-A-G.
Other names: c.808A>G, p.Asn270Asp (NM_001007097.3, NM_001018064.3, NM_001018065.2 and 18 more transcripts); c.340A>G, p.Asn114Asp (NM_001369535.1, NM_001369536.1, NM_001369550.1 and 2 more transcripts); short protein forms N114D, N270D.
Identifiers: ClinVar variation 4975857 (VCV004975857.1).

ClinVar aggregate classification (germline): Uncertain significance (1 of 4 stars; one submission).

Submission:

GeneDx
Classification: Uncertain significance. Last evaluated: 2026-01-29. Review status: criteria provided, single submitter. Criteria: GeneDx Variant Classification Process June 2021. Collection method: clinical testing. Allele origin: germline.
Comment: Not observed at significant frequency in large population cohorts (gnomAD); In silico analysis supports that this missense variant has a deleterious effect on protein structure/function; Has not been previously published as pathogenic or benign to our knowledge